The following is an entry in ClinVar:

NM_000834.5(GRIN2B):c.3259del (p.Asp1087fs)

Gene: GRIN2B (glutamate ionotropic receptor NMDA type subunit 2B; minus strand). Cytogenetic location: 12p13.1.
Variant type: Deletion.
Coding change: c.3259del on transcript NM_000834.5 (MANE Select); coding-DNA position 3259, one base deleted (G; older notation c.3259delG).
Protein change: p.Asp1087fs; shifts the reading frame from aspartic acid 1087.
Molecular consequence: frameshift variant.
Genome position (GRCh38, 1-based): chr12:13,563,979, C deleted on the plus strand (G on the coding strand, the reverse complement: GRIN2B is on the minus strand); the first of 2 consecutive C bases (chr12:13,563,979-13,563,980); deleting either gives the same sequence. VCF-style (leftmost placement, unchanged base first): chr12-13563978-TC-T. GRCh37 (hg19) VCF-style: chr12-13716912-TC-T.
Other names: short protein forms D1087fs.
Identifiers: ClinVar variation 1698864 (VCV001698864.2), dbSNP rs2136405082, ClinGen allele CA2017997766.

ClinVar aggregate classification (germline): Likely pathogenic (1 of 4 stars; one submission).

Conditions:
Intellectual developmental disorder, autosomal dominant 6, with or without seizures. Also called: GRIN2B-related developmental delay, intellectual disability and autism spectrum disorder; Intellectual disability, autosomal dominant 6. Identifiers: Orphanet 589547, MedGen C3151411, MONDO:0013509, OMIM 613970.

Submission:

Genetics and Molecular Pathology, SA Pathology
Classification: Likely pathogenic for Intellectual developmental disorder, autosomal dominant 6, with or without seizures. Last evaluated: 2021-07-21. Review status: criteria provided, single submitter. Criteria: ACMG Guidelines, 2015. Collection method: clinical testing. Allele origin: germline. Inheritance: Autosomal dominant inheritance. Affected: yes.
Comment: The GRIN2B c.3259delG variant is classified as LIKELY PATHOGENIC (PM2, PVS1_strong) This GRIN2B c.3259delG variant is located in exon 14 and is predicted to cause a shift in the reading frame at codon 1087 (PVS1_strong). This variant has not been reported in dbSNP and is absent from population databases (PM2). It has not been reported in the ClinVar or HGMD disease databases.